The following is an entry in ClinVar:

ClinVar aggregate classification (germline): Likely benign (0 of 4 stars; one submission).

Conditions:
HDAC6-related disorder. Also called: HDAC6-related condition.

Allele frequency attached by ClinVar (database versions not stated): ExAC 0.00002; gnomAD 0.00004; TOPMed 0.00004; gnomAD exomes 0.00012.
gnomAD v4.1: 129 of 1,209,281 alleles (0.011%); highest among the groups gnomAD compares: Non-Finnish European, 0.014%; no homozygotes.

Submission:

PreventionGenetics, part of Exact Sciences
Classification: Likely benign for HDAC6-related condition. Last evaluated: 2019-04-12. Review status: no assertion criteria provided. Collection method: clinical testing. Allele origin: germline.
Comment: This variant is classified as likely benign based on ACMG/AMP sequence variant interpretation guidelines (Richards et al. 2015 PMID: 25741868, with internal and published modifications).

NM_006044.4(HDAC6):c.3531C>T (p.Ile1177=)

Gene: HDAC6 (histone deacetylase 6; plus strand). Cytogenetic location: Xp11.23.
Variant type: single nucleotide variant.
Coding change: c.3531C>T on transcript NM_006044.4 (MANE Select); coding-DNA position 3531, C replaced by T.
Protein change: p.Ile1177=; no amino-acid change (isoleucine 1177 retained).
Molecular consequence: synonymous variant. On other transcripts: non-coding transcript variant (1).
Genome position (GRCh38, 1-based): chrX:48,824,246, C>T. VCF-style: chrX-48824246-C-T. GRCh37 (hg19) VCF-style: chrX-48682656-C-T.
Other names: c.3573C>T, p.Ile1191= (NM_001321225.2); c.3531C>T, p.Ile1177= (NM_001321226.2, NM_001321227.2, NM_001321228.2 and 1 more transcripts).
Identifiers: ClinVar variation 3045308 (VCV003045308.2), dbSNP rs782203131, ClinGen allele CA10405445.